The following is an entry in ClinVar:

NM_007294.4(BRCA1):c.1484A>C (p.Glu495Ala)

Gene: BRCA1 (BRCA1 DNA repair associated; minus strand). Cytogenetic location: 17q21.31.
Variant type: single nucleotide variant.
Coding change: c.1484A>C on transcript NM_007294.4 (MANE Select); coding-DNA position 1484, A replaced by C.
Protein change: p.Glu495Ala; replaces glutamic acid 495 with alanine.
Molecular consequence: missense variant. On other transcripts: intron variant (137).
Genome position (GRCh38, 1-based): chr17:43,094,047, T>G on the plus strand (A>C on the coding strand, the complement: BRCA1 is on the minus strand). VCF-style: chr17-43094047-T-G. GRCh37 (hg19) VCF-style: chr17-41246064-T-G.
Other names: c.670+1799A>C (NM_001408423.1, NM_001408420.1, NM_001408419.1 and 2 more transcripts); c.787+697A>C (NM_001408404.1, NM_001408472.1, NM_001407990.1 and 19 more transcripts); c.577+697A>C (NM_001408492.1, NM_001408513.1, NM_001408489.1 and 9 more transcripts); c.643+697A>C (NM_001408468.1, NM_001408465.1, NM_001408463.1 and 3 more transcripts); c.523+697A>C (NM_001408501.1, NM_001408500.1, NM_001408497.1 and 3 more transcripts); c.646+697A>C (NM_001408455.1, NM_001408466.1, NM_001408452.1 and 11 more transcripts); c.520+697A>C (NM_001408503.1, NM_001408505.1, NM_001408504.1); c.404-3015A>C (NM_001408511.1); and 40 more; short protein forms E495A, E448A, E368A, E384A, E406A, E424A, E199A, E327A.
Identifiers: ClinVar variation 575821 (VCV000575821.17), dbSNP rs1567799498, ClinGen allele CA10599078.

ClinVar aggregate classification (germline): Conflicting classifications of pathogenicity. Review status: criteria provided, conflicting classifications (1 of 4 stars). 4 submissions from 4 submitters: Uncertain significance (2); Likely benign (2). Last evaluated 2025-09-01.

Conditions:
Breast-ovarian cancer, familial, susceptibility to, 1 (BROVCA1). Also called: BRCA1 Hereditary Breast and Ovarian Cancer; OVARIAN CANCER, SUSCEPTIBILITY TO. Identifiers: Orphanet 145, MedGen C2676676, MONDO:0011450, OMIM 604370. Disease mechanism: loss of function.
Hereditary breast ovarian cancer syndrome. Also called: Hereditary breast and ovarian cancer; Hereditary breast and ovarian cancer syndrome; Hereditary breast and ovarian cancer syndrome (HBOC); Breast and ovarian cancer; BRCA1- and BRCA2-Associated Hereditary Breast and Ovarian Cancer; Hereditary breast and/or ovarian cancer syndrome. Identifiers: Orphanet 145, MedGen C0677776, MeSH D061325, MONDO:0003582. Disease mechanism: loss of function.
Hereditary cancer-predisposing syndrome. Also called: Tumor predisposition; Neoplastic Syndromes, Hereditary; Hereditary Cancer Syndrome; Hereditary neoplastic syndrome. Identifiers: Orphanet 140162, MedGen C0027672, MeSH D009386, MONDO:0015356.

Allele frequency attached by ClinVar (database versions not stated): gnomAD exomes below 0.00001.
gnomAD v4.1: 1 of 1,614,090 alleles (0.000062%); highest among the groups gnomAD compares: East Asian, 0.0022%; no homozygotes.

Submissions (4):

Labcorp Genetics (formerly Invitae), Labcorp
Classification: Uncertain significance for Hereditary breast ovarian cancer syndrome. Last evaluated: 2025-09-01. Review status: criteria provided, single submitter. Criteria: Invitae Variant Classification Sherloc (09022015). Collection method: clinical testing. Allele origin: germline.
Comment: This sequence change replaces glutamic acid, which is acidic and polar, with alanine, which is neutral and non-polar, at codon 495 of the BRCA1 protein (p.Glu495Ala). This variant is not present in population databases (gnomAD no frequency). This missense change has been observed in individual(s) with clinical features of BRCA1-related conditions (PMID: 21520333, 35218119). ClinVar contains an entry for this variant (Variation ID: 575821). Invitae Evidence Modeling of protein sequence and biophysical properties (such as structural, functional, and spatial information, amino acid conservation, physicochemical variation, residue mobility, and thermodynamic stability) indicates that this missense variant is not expected to disrupt BRCA1 protein function with a negative predictive value of 80%. In summary, the available evidence is currently insufficient to determine the role of this variant in disease. Therefore, it has been classified as a Variant of Uncertain Significance.

University of Washington Department of Laboratory Medicine, University of Washington
Classification: Likely benign for Hereditary cancer-predisposing syndrome. Last evaluated: 2023-03-23. Review status: criteria provided, single submitter. Criteria: Dines et al. (Genet Med. 2020). Collection method: curation. Allele origin: germline.
Comment: Missense variant in a coldspot region where missense variants are very unlikely to be pathogenic (PMID:31911673).

BRCA1 coldspot (exon 11 using historical exon numbering). Reclassification based on statistical prior probability

Myriad Genetics, Inc.
Classification: Likely benign for Breast-ovarian cancer, familial, susceptibility to, 1. Last evaluated: 2023-03-10. Review status: criteria provided, single submitter. Criteria: Myriad Autosomal Dominant, Autosomal Recessive and X-Linked Classification Criteria (2023). Collection method: clinical testing. Allele origin: unknown.
Comment: This variant is considered likely benign. This variant is strongly associated with less severe personal and family histories of cancer, typical for individuals without pathogenic variants in this gene [PMID: 25085752].

Color Diagnostics, LLC DBA Color Health
Classification: Uncertain significance for Hereditary cancer-predisposing syndrome. Last evaluated: 2021-12-30. Review status: criteria provided, single submitter. Criteria: ACMG Guidelines, 2015. Collection method: clinical testing. Allele origin: germline.
Comment: This missense variant replaces glutamic acid with alanine at codon 495 of the BRCA1 protein. Computational prediction is inconclusive regarding the impact of this variant on protein structure and function (internally defined REVEL score threshold 0.5 < inconclusive < 0.7, PMID: 27666373). To our knowledge, functional studies have not been reported for this variant. This variant has been reported in case-control studies for breast, pancreatic and prostate cancer in which this variant was absent in cases and found in one to two unaffected individuals in each study (PMID: 30287823, 31214711, 32980694). This variant has not been identified in the general population by the Genome Aggregation Database (gnomAD). The available evidence is insufficient to determine the role of this variant in disease conclusively. Therefore, this variant is classified as a Variant of Uncertain Significance.

Literature cited by the submitters: PubMed 21520333 (cited by Labcorp Genetics (formerly Invitae), Labcorp); PubMed 35218119 (cited by Labcorp Genetics (formerly Invitae), Labcorp); PubMed 25085752 (cited by Myriad Genetics, Inc.); PubMed 30287823 (cited by Color Diagnostics, LLC DBA Color Health); PubMed 31214711 (cited by Color Diagnostics, LLC DBA Color Health); PubMed 32980694 (cited by Color Diagnostics, LLC DBA Color Health).